The following is an entry in ClinVar:

NM_000051.4(ATM):c.6573-1G>C

Genes: ATM (ATM serine/threonine kinase; plus strand), C11orf65 (chromosome 11 open reading frame 65; minus strand). Cytogenetic location: 11q22.3.
Variant type: single nucleotide variant.
Coding change: c.6573-1G>C on transcript NM_000051.4 (MANE Select); the canonical splice acceptor site of the intron before coding-DNA position 6573, G replaced by C.
Molecular consequence: splice acceptor variant. On other transcripts: intron variant (2).
Genome position (GRCh38, 1-based): chr11:108,325,309, G>C. VCF-style: chr11-108325309-G-C. GRCh37 (hg19) VCF-style: chr11-108196036-G-C.
Other names: c.6573-1G>C (NM_001351834.2); c.641-16238C>G (NM_001330368.2); c.*38+9911C>G (NM_001351110.2).
Identifiers: ClinVar variation 826492 (VCV000826492.14), dbSNP rs1591128291, ClinGen allele CA382554639.
Genomic context (GRCh38, chr11:108,325,309, plus strand): 5'-GTTTTTTTTTTTTTTTTTTTCATTTCTCTTGCTTACATGAACTCTATGTCGTGGCATTCA[G>C]ATCAGTCACACATAGACAACTCTCTGAAGTATATATTAAGTGGCAGAAACACTCCCAGCT-3'

ClinVar aggregate classification (germline): Pathogenic/Likely pathogenic. Review status: criteria provided, multiple submitters, no conflicts (2 of 4 stars). 5 submissions from 5 submitters: Pathogenic (1); Likely pathogenic (4). Last evaluated 2025-11-10.

Conditions:
Hereditary cancer-predisposing syndrome. Also called: Tumor predisposition; Neoplastic Syndromes, Hereditary; Hereditary Cancer Syndrome; Hereditary neoplastic syndrome. Identifiers: Orphanet 140162, MedGen C0027672, MeSH D009386, MONDO:0015356.
Familial cancer of breast. Also called: Hereditary breast cancer; BREAST CANCER, FAMILIAL; hereditary breast carcinoma. Identifiers: Orphanet 227535, MedGen C0346153, MONDO:0016419, OMIM 114480. Disease mechanism: loss of function.
Ataxia-telangiectasia syndrome (AT). Also called: ATAXIA-TELANGIECTASIA, COMPLEMENTATION GROUP A; ATAXIA-TELANGIECTASIA, FRESNO VARIANT; Ataxia-telangiectasia; Ataxia-telangiectasia, complementation group D; AT, COMPLEMENTATION GROUP C; Ataxia-telangiectasia, complementation group E. Identifiers: Orphanet 100, MedGen C0004135, MONDO:0008840, OMIM 208900.

Submissions (5):

Ambry Genetics
Classification: Likely pathogenic for Hereditary cancer-predisposing syndrome. Last evaluated: 2025-11-10. Review status: criteria provided, single submitter. Criteria: Ambry Variant Classification Scheme 2023. Collection method: clinical testing. Allele origin: germline.
Comment: The c.6573-1G>C intronic variant results from a G to C substitution one nucleotide upstream from coding exon 45 of the ATM gene. This nucleotide position is highly conserved in available vertebrate species. In silico splice site analysis predicts that this alteration will weaken the native splice acceptor site and will result in the creation or strengthening of a novel splice acceptor site. RNA studies have demonstrated that this alteration results in abnormal splicing in the set of samples tested (Ambry internal data). This variant is considered to be rare based on population cohorts in the Genome Aggregation Database (gnomAD). Alterations that disrupt the canonical splice site are expected to cause aberrant splicing, resulting in an abnormal protein or a transcript that is subject to nonsense-mediated mRNA decay. As such, this alteration is classified as likely pathogenic.

Quest Diagnostics Nichols Institute San Juan Capistrano
Classification: Pathogenic. Last evaluated: 2025-06-23. Review status: criteria provided, single submitter. Criteria: Quest Diagnostics criteria. Collection method: clinical testing. Allele origin: unknown.
Comment: The ATM c.6573-1G>C variant disrupts a canonical splice-acceptor site and interferes with normal ATM mRNA splicing. This variant has not been reported in individuals with ATM-related conditions in the published literature. This variant has not been reported in large, multi-ethnic general populations (Genome Aggregation Database). Based on the available information, this variant is classified as pathogenic.

Labcorp Genetics (formerly Invitae), Labcorp
Classification: Likely pathogenic for Ataxia-telangiectasia syndrome. Last evaluated: 2024-02-07. Review status: criteria provided, single submitter. Criteria: Invitae Variant Classification Sherloc (09022015). Collection method: clinical testing. Allele origin: germline.
Comment: This sequence change affects an acceptor splice site in intron 45 of the ATM gene. It is expected to disrupt RNA splicing. Variants that disrupt the donor or acceptor splice site typically lead to a loss of protein function (PMID: 16199547), and loss-of-function variants in ATM are known to be pathogenic (PMID: 23807571, 25614872). This variant is not present in population databases (gnomAD no frequency). This variant has not been reported in the literature in individuals affected with ATM-related conditions. ClinVar contains an entry for this variant (Variation ID: 826492). Algorithms developed to predict the effect of sequence changes on RNA splicing suggest that this variant may disrupt the consensus splice site. In summary, the currently available evidence indicates that the variant is pathogenic, but additional data are needed to prove that conclusively. Therefore, this variant has been classified as Likely Pathogenic.

Myriad Genetics, Inc.
Classification: Likely pathogenic for Familial cancer of breast. Last evaluated: 2024-01-30. Review status: criteria provided, single submitter. Criteria: Myriad Autosomal Dominant, Autosomal Recessive and X-Linked Classification Criteria (2023). Collection method: clinical testing. Allele origin: unknown.
Comment: This variant is considered likely pathogenic. This variant occurs within a consensus splice junction and is predicted to result in abnormal mRNA splicing of either an out-of-frame exon or an in-frame exon necessary for protein stability and/or normal function.

Women's Health and Genetics/Laboratory Corporation of America, LabCorp
Classification: Likely pathogenic for Ataxia-telangiectasia syndrome. Last evaluated: 2024-01-12. Review status: criteria provided, single submitter. Criteria: LabCorp Variant Classification Summary - May 2015. Collection method: clinical testing. Allele origin: germline.
Comment: Variant summary: ATM c.6573-1G>C is located in a canonical splice-site and is predicted to affect mRNA splicing resulting in a significantly altered protein due to either exon skipping, shortening, or inclusion of intronic material. Several computational tools predict a significant impact on normal splicing: Three predict the variant abolishes a 3' acceptor site. However, these predictions have yet to be confirmed by functional studies. The variant was absent in 248902 control chromosomes. To our knowledge, no occurrence of c.6573-1G>C in individuals affected with Ataxia-Telangiectasia and no experimental evidence demonstrating its impact on protein function have been reported. ClinVar contains an entry for this variant (Variation ID: 826492). Based on the evidence outlined above, the variant was classified as likely pathogenic.

Literature cited by the submitters: PubMed 16199547 (cited by Labcorp Genetics (formerly Invitae), Labcorp); PubMed 23807571 (cited by Labcorp Genetics (formerly Invitae), Labcorp); PubMed 25614872 (cited by Labcorp Genetics (formerly Invitae), Labcorp).